The following is an entry in ClinVar:

ClinVar aggregate classification (germline): Uncertain significance (1 of 4 stars; one submission).

Submission:

GeneDx
Classification: Uncertain significance. Last evaluated: 2026-04-16. Review status: criteria provided, single submitter. Criteria: GeneDx Variant Classification Process June 2021. Collection method: clinical testing. Allele origin: germline.
Comment: Not observed at significant frequency in large population cohorts (gnomAD); In silico analysis supports that this missense variant has a deleterious effect on protein structure/function; Has not been previously published as pathogenic or benign to our knowledge

NM_015076.5(CDK19):c.698T>A (p.Ile233Asn)

Gene: CDK19 (cyclin dependent kinase 19; minus strand). Cytogenetic location: 6q21.
Variant type: single nucleotide variant.
Coding change: c.698T>A on transcript NM_015076.5 (MANE Select); coding-DNA position 698, T replaced by A.
Protein change: p.Ile233Asn; replaces isoleucine 233 with asparagine.
Molecular consequence: missense variant.
Genome position (GRCh38, 1-based): chr6:110,627,094, A>T on the plus strand (T>A on the coding strand, the complement: CDK19 is on the minus strand). VCF-style: chr6-110627094-A-T. GRCh37 (hg19) VCF-style: chr6-110948297-A-T.
Other names: c.566T>A, p.Ile189Asn (NM_001300960.2); c.518T>A, p.Ile173Asn (NM_001300963.2, NM_001300964.2); short protein forms I173N, I189N, I233N.
Identifiers: ClinVar variation 5037200 (VCV005037200.1).